The following is an entry in ClinVar:

NM_021072.4(HCN1):c.1552G>T (p.Gly518Cys)

Gene: HCN1 (hyperpolarization activated cyclic nucleotide gated potassium channel 1; minus strand). Cytogenetic location: 5p12.
Variant type: single nucleotide variant.
Coding change: c.1552G>T on transcript NM_021072.4 (MANE Select); coding-DNA position 1552, G replaced by T.
Protein change: p.Gly518Cys; replaces glycine 518 with cysteine.
Molecular consequence: missense variant.
Genome position (GRCh38, 1-based): chr5:45,303,665, C>A on the plus strand (G>T on the coding strand, the complement: HCN1 is on the minus strand). VCF-style: chr5-45303665-C-A. GRCh37 (hg19) VCF-style: chr5-45303767-C-A.
Other names: short protein forms G518C.
Identifiers: ClinVar variation 1775088 (VCV001775088.2), dbSNP rs2111904880, ClinGen allele CA359702462.
Genomic context (GRCh38, chr5:45,303,665, plus strand): 5'-AGTAAGAGCCATCTGTCAGCTTCATTTCTTTACTGGATTTTGTAATGACACCAGCAACAC[C>A]GTGTTGAATGAAATACATTTTTTTACCCACGGCTCCTTCTCGTATGATATAATCTCCAGG-3'
Protein context (NP_066550.2, residues 508-528): VGKKMYFIQH[Gly518Cys]VAGVITKSSK

ClinVar aggregate classification (germline): Uncertain significance (1 of 4 stars; one submission).

Conditions:
Inborn genetic diseases. Identifiers: MedGen C0950123, MeSH D030342.

Submission:

Ambry Genetics
Classification: Uncertain significance for Inborn genetic diseases. Last evaluated: 2017-06-23. Review status: criteria provided, single submitter. Criteria: Ambry Variant Classification Scheme 2023. Collection method: clinical testing. Allele origin: germline.
Comment: The p.G518C variant (also known as c.1552G>T), located in coding exon 6 of the HCN1 gene, results from a G to T substitution at nucleotide position 1552. The glycine at codon 518 is replaced by cysteine, an amino acid with highly dissimilar properties. This amino acid position is highly conserved in available vertebrate species. In addition, this alteration is predicted to be deleterious by in silico analysis. Since supporting evidence is limited at this time, the clinical significance of this alteration remains unclear.